The following is an entry in ClinVar:

ClinVar aggregate classification (germline): Conflicting classifications of pathogenicity. Review status: criteria provided, conflicting classifications (1 of 4 stars). 11 submissions from 11 submitters: Uncertain significance (1); Benign (4); Likely benign (6). Last evaluated 2026-07-10.

Conditions:
Rhabdoid tumor predisposition syndrome 2 (RTPS2). Identifiers: Orphanet 231108, Orphanet 69077, MedGen C2750074, MONDO:0013224, OMIM 613325.
Intellectual disability, autosomal dominant 16 (CSS4). Also called: COFFIN-SIRIS SYNDROME 4. Identifiers: Orphanet 1465, MedGen C3553249, MONDO:0013821, OMIM 614609.
Otosclerosis 12. Identifiers: MedGen C5935610, MONDO:0968980, OMIM 620792.
Coffin-Siris syndrome. Identifiers: Orphanet 1465, MedGen C0265338, MONDO:0015452.
Hereditary cancer-predisposing syndrome. Also called: Neoplastic Syndromes, Hereditary; Tumor predisposition; Hereditary Cancer Syndrome; Hereditary neoplastic syndrome. Identifiers: Orphanet 140162, MedGen C0027672, MeSH D009386, MONDO:0015356.

Allele frequency attached by ClinVar (database versions not stated): 1000 Genomes Project 30x 0.00031; gnomAD exomes 0.00057 and 0.00038; ESP Exome Variant Server 0.00077; 1000 Genomes Project 0.00020; TOPMed 0.00034; gnomAD 0.00038; ExAC 0.00040.
gnomAD v4.1: 879 of 1,614,226 alleles (0.054%); highest among the groups gnomAD compares: Non-Finnish European, 0.067%; no homozygotes.

Submissions (11):

Myriad Genetics, Inc.
Classification: Benign for Rhabdoid tumor predisposition syndrome 2. Last evaluated: 2026-07-10. Review status: criteria provided, single submitter. Criteria: Myriad Autosomal Dominant, Autosomal Recessive and X-Linked Classification Criteria (2023). Collection method: clinical testing. Allele origin: unknown.
Comment: This variant is considered benign. This variant is a silent/synonymous amino acid change and it is not expected to impact splicing.

Labcorp Genetics (formerly Invitae), Labcorp
Classification: Benign for Rhabdoid tumor predisposition syndrome 2. Last evaluated: 2026-02-02. Review status: criteria provided, single submitter. Criteria: Invitae Variant Classification Sherloc (09022015). Collection method: clinical testing. Allele origin: germline.

CeGaT Center for Human Genetics Tuebingen
Classification: Likely benign. Last evaluated: 2025-03-01. Review status: criteria provided, single submitter. Criteria: CeGaT Center For Human Genetics Tuebingen Variant Classification Criteria Version 2. Collection method: clinical testing. Allele origin: germline. Affected: yes. Observed: 4 variant alleles.
Comment: SMARCA4: BP4, BP7

Blueprint Genetics
Classification: Likely benign. Last evaluated: 2024-10-24. Review status: criteria provided, single submitter. Criteria: ACMG Guidelines, 2015. Collection method: clinical testing. Allele origin: germline.

Department of Pathology and Laboratory Medicine, Sinai Health System
Classification: Likely benign for Rhabdoid tumor predisposition syndrome 2; Intellectual disability, autosomal dominant 16; Otosclerosis 12. Last evaluated: 2023-03-21. Review status: criteria provided, single submitter. Criteria: ACMG Guidelines, 2015. Collection method: clinical testing. Allele origin: germline. Affected: yes.

GeneDx
Classification: Likely benign. Last evaluated: 2021-10-05. Review status: criteria provided, single submitter. Criteria: GeneDx Variant Classification Process June 2021. Collection method: clinical testing. Allele origin: germline. Affected: yes.

Genome-Nilou Lab
Classification: Likely benign for Intellectual disability, autosomal dominant 16. Last evaluated: 2021-07-15. Review status: criteria provided, single submitter. Criteria: ACMG Guidelines, 2015. Collection method: clinical testing. Allele origin: germline. Affected: no.

Sema4
Classification: Benign for Hereditary cancer-predisposing syndrome. Last evaluated: 2020-12-18. Review status: criteria provided, single submitter. Criteria: Sema4 Curation Guidelines. Collection method: curation. Allele origin: germline.

Illumina Laboratory Services, Illumina
Classification: Benign for Coffin-Siris syndrome. Last evaluated: 2018-01-13. Review status: criteria provided, single submitter. Criteria: ICSL Variant Classification Criteria 13 December 2019. Collection method: clinical testing. Allele origin: germline.
Comment: This variant was observed in the ICSL laboratory as part of a predisposition screen in an ostensibly healthy population. It had not been previously curated by ICSL or reported in the Human Gene Mutation Database (HGMD: prior to June 1st, 2018), and was therefore a candidate for classification through an automated scoring system. Utilizing variant allele frequency, disease prevalence and penetrance estimates, and inheritance mode, an automated score was calculated to assess if this variant is too frequent to cause the disease. Based on the score and internal cut-off values, a variant classified as benign is not then subjected to further curation. The score for this variant resulted in a classification of benign for this disease.

Ambry Genetics
Classification: Likely benign for Hereditary cancer-predisposing syndrome. Last evaluated: 2015-06-15. Review status: criteria provided, single submitter. Criteria: Ambry Variant Classification Scheme 2023. Collection method: clinical testing. Allele origin: germline.

Genetic Services Laboratory, University of Chicago
Classification: Uncertain significance. Last evaluated: 2015-06-01. Review status: criteria provided, single submitter. Criteria: ACMG Guidelines, 2015. Collection method: clinical testing. Allele origin: germline.

NM_003072.5(SMARCA4):c.1791T>G (p.Pro597=)

Gene: SMARCA4 (SWI/SNF related BAF chromatin remodeling complex subunit ATPase 4; plus strand). Cytogenetic location: 19p13.2.
Variant type: single nucleotide variant.
Coding change: c.1791T>G on transcript NM_003072.5 (MANE Select); coding-DNA position 1791, T replaced by G.
Protein change: p.Pro597=; no amino-acid change (proline 597 retained).
Molecular consequence: synonymous variant. On other transcripts: non-coding transcript variant (1).
Genome position (GRCh38, 1-based): chr19:10,996,523, T>G. VCF-style: chr19-10996523-T-G. GRCh37 (hg19) VCF-style: chr19-11107199-T-G.
Other names: c.1791T>G, p.Pro597= (NM_001128844.3, NM_001128845.2, NM_001128846.2 and 5 more transcripts); c.1791T>G (NM_001128849.2).
Identifiers: ClinVar variation 212237 (VCV000212237.51), dbSNP rs141806282, ClinGen allele CA207160.
Genomic context (GRCh38, chr19:10,996,523, plus strand): 5'-AGGGCCTGACCGTGTCTCTCTCTATTTCCAGAAGGCAGAAAATGCAGAAGGACAGACGCC[T>G]GCCATTGGGCCGGATGGCGAGGTGAGGAAGCAGGGTTTCTTGTGGAAGTATCAAGCTAGC-3'
Protein context (NP_003063.2, residues 587-607): KKAENAEGQT[Pro597=]AIGPDGEPLD